The following is an entry in ClinVar:

ClinVar aggregate classification (germline): Uncertain significance (1 of 4 stars; one submission).

gnomAD v4.1: 6 of 1,613,996 alleles (0.00037%); highest among the groups gnomAD compares: Admixed American, 0.0033%; no homozygotes.

Submission:

Labcorp Genetics (formerly Invitae), Labcorp
Classification: Uncertain significance. Last evaluated: 2024-04-13. Review status: criteria provided, single submitter. Criteria: Invitae Variant Classification Sherloc (09022015). Collection method: clinical testing. Allele origin: germline.
Comment: This sequence change replaces asparagine, which is neutral and polar, with serine, which is neutral and polar, at codon 583 of the MYO18B protein (p.Asn583Ser). This variant is present in population databases (no rsID available, gnomAD 0.006%). This variant has not been reported in the literature in individuals affected with MYO18B-related conditions. ClinVar contains an entry for this variant (Variation ID: 1505774). An algorithm developed to predict the effect of missense changes on protein structure and function (PolyPhen-2) suggests that this variant is likely to be disruptive. In summary, the available evidence is currently insufficient to determine the role of this variant in disease. Therefore, it has been classified as a Variant of Uncertain Significance.

NM_032608.7(MYO18B):c.1748A>G (p.Asn583Ser)

Gene: MYO18B (myosin XVIIIB; plus strand). Cytogenetic location: 22q12.1.
Variant type: single nucleotide variant.
Coding change: c.1748A>G on transcript NM_032608.7 (MANE Select); coding-DNA position 1748, A replaced by G.
Protein change: p.Asn583Ser; replaces asparagine 583 with serine.
Molecular consequence: missense variant.
Genome position (GRCh38, 1-based): chr22:25,772,389, A>G. VCF-style: chr22-25772389-A-G. GRCh37 (hg19) VCF-style: chr22-26168356-A-G.
Other names: c.1748A>G, p.Asn583Ser (NM_001318245.2); short protein forms N583S.
Identifiers: ClinVar variation 1505774 (VCV001505774.6), dbSNP rs1263977196, ClinGen allele CA411005904.